The following is an entry in ClinVar:

NC_000023.10:g.(?_18525053)_(18622998_?)del

Gene: CDKL5 (cyclin dependent kinase like 5; plus strand). Cytogenetic location: Xp22.13.
Variant type: Deletion.
Identifiers: ClinVar variation 1457420 (VCV001457420.8).

ClinVar aggregate classification (germline): Pathogenic (1 of 4 stars; one submission).

Conditions:
Angelman syndrome-like. Identifiers: MedGen CN128785.
Developmental and epileptic encephalopathy, 2 (DEE2). Also called: INFANTILE SPASM SYNDROME, X-LINKED 2; CDKL5 deficiency disorder. Identifiers: Orphanet 1934, Orphanet 3451, Orphanet 505652, MedGen C4750718, MONDO:0010396, OMIM 300672.

Submission:

Labcorp Genetics (formerly Invitae), Labcorp
Classification: Pathogenic for Developmental and epileptic encephalopathy, 2; Angelman syndrome-like. Last evaluated: 2020-12-08. Review status: criteria provided, single submitter. Criteria: Invitae Variant Classification Sherloc (09022015). Collection method: clinical testing. Allele origin: germline.
Comment: For these reasons, this variant has been classified as Pathogenic. Loss-of-function variants in CDKL5 are known to be pathogenic (PMID: 22872100). Isolated deletions of exons 2-12 of CDKL5 have not been reported in the literature. However, copy number events that include the initiator codon have been reported (PMID:21293276, 19471977, 20848651). This variant is a gross deletion of the genomic region encompassing exons 2-12 of the CDKL5 gene, which includes the initiator codon. The 5' end of this event is unknown as it extends beyond the assayed region for this gene and therefore may encompass additional genes. The 3' boundary is likely confined to intron 12 of the CDKL5 gene. This is expected to result in an absent or disrupted protein product.

Literature cited by the submitters: PubMed 22872100; PubMed 21293276; PubMed 19471977; PubMed 20848651.